The following is an entry in ClinVar:

NM_000135.4(FANCA):c.2087G>A (p.Ser696Asn)

Gene: FANCA (FA complementation group A; minus strand). Cytogenetic location: 16q24.3.
Variant type: single nucleotide variant.
Coding change: c.2087G>A on transcript NM_000135.4 (MANE Select); coding-DNA position 2087, G replaced by A.
Protein change: p.Ser696Asn; replaces serine 696 with asparagine.
Molecular consequence: missense variant.
Genome position (GRCh38, 1-based): chr16:89,771,742, C>T on the plus strand (G>A on the coding strand, the complement: FANCA is on the minus strand). VCF-style: chr16-89771742-C-T. GRCh37 (hg19) VCF-style: chr16-89838150-C-T.
Other names: c.2087G>A, p.Ser696Asn (NM_001286167.3); short protein forms S696N.
Identifiers: ClinVar variation 3023552 (VCV003023552.4), dbSNP rs2039333785, ClinGen allele CA397448347.

ClinVar aggregate classification (germline): Uncertain significance. Review status: criteria provided, multiple submitters, no conflicts (2 of 4 stars). 2 submissions from 2 submitters: Uncertain significance (2). Last evaluated 2026-03-15.

Conditions:
Inborn genetic diseases. Identifiers: MedGen C0950123, MeSH D030342.
Fanconi anemia (FA). Also called: Fanconi's anemia. Identifiers: Orphanet 84, MedGen C0015625, MeSH D005199, MONDO:0019391.

Submissions (2):

Ambry Genetics
Classification: Uncertain significance for Inborn genetic diseases. Last evaluated: 2026-03-15. Review status: criteria provided, single submitter. Criteria: Ambry Variant Classification Scheme 2023. Collection method: clinical testing. Allele origin: germline.
Comment: The p.S696N variant (also known as c.2087G>A), located in coding exon 23 of the FANCA gene, results from a G to A substitution at nucleotide position 2087. The serine at codon 696 is replaced by asparagine, an amino acid with highly similar properties. This amino acid position is conserved. In addition, this alteration is predicted to be tolerated by in silico analysis. Based on the available evidence, the clinical significance of this variant remains unclear.

Labcorp Genetics (formerly Invitae), Labcorp
Classification: Uncertain significance for Fanconi anemia. Last evaluated: 2024-11-04. Review status: criteria provided, single submitter. Criteria: Invitae Variant Classification Sherloc (09022015). Collection method: clinical testing. Allele origin: germline.
Comment: This sequence change replaces serine, which is neutral and polar, with asparagine, which is neutral and polar, at codon 696 of the FANCA protein (p.Ser696Asn). This variant is not present in population databases (gnomAD no frequency). This variant has not been reported in the literature in individuals affected with FANCA-related conditions. ClinVar contains an entry for this variant (Variation ID: 3023552). Invitae Evidence Modeling of protein sequence and biophysical properties (such as structural, functional, and spatial information, amino acid conservation, physicochemical variation, residue mobility, and thermodynamic stability) indicates that this missense variant is not expected to disrupt FANCA protein function with a negative predictive value of 95%. In summary, the available evidence is currently insufficient to determine the role of this variant in disease. Therefore, it has been classified as a Variant of Uncertain Significance.